The following is an entry in ClinVar:

ClinVar aggregate classification (germline): Benign (0 of 4 stars; one submission).

Conditions:
DCHS2-related disorder. Also called: DCHS2-related condition.

Allele frequency attached by ClinVar (database versions not stated): TOPMed 0.52086; ESP Exome Variant Server 0.52475; gnomAD 0.52739; gnomAD exomes 0.54806; ExAC 0.55118; 1000 Genomes Project 30x 0.57683; 1000 Genomes Project 0.58087.
gnomAD v4.1: 846,860 of 1,551,340 alleles (55%); highest among the groups gnomAD compares: East Asian, 85%; 233,689 homozygotes.

Submission:

PreventionGenetics, part of Exact Sciences
Classification: Benign for DCHS2-related condition. Last evaluated: 2019-10-21. Review status: no assertion criteria provided. Collection method: clinical testing. Allele origin: germline.
Comment: This variant is classified as benign based on ACMG/AMP sequence variant interpretation guidelines (Richards et al. 2015 PMID: 25741868, with internal and published modifications).

NM_001358235.2(DCHS2):c.1686C>T (p.Ser562=)

Gene: DCHS2 (dachsous cadherin-related 2; minus strand). Cytogenetic location: 4q31.3.
Variant type: single nucleotide variant.
Coding change: c.1686C>T on transcript NM_001358235.2 (MANE Select); coding-DNA position 1686, C replaced by T.
Protein change: p.Ser562=; no amino-acid change (serine 562 retained).
Molecular consequence: synonymous variant.
Genome position (GRCh38, 1-based): chr4:154,489,670, G>A on the plus strand (C>T on the coding strand, the complement: DCHS2 is on the minus strand). VCF-style: chr4-154489670-G-A. GRCh37 (hg19) VCF-style: chr4-155410822-G-A.
Other names: c.1686C>T, p.Ser562= (NM_001142552.2, NM_001412223.1).
Identifiers: ClinVar variation 3059101 (VCV003059101.2), dbSNP rs4696593, ClinGen allele CA3113806.